The following is an entry in ClinVar:

NM_000051.4(ATM):c.5593C>T (p.His1865Tyr)

Gene: ATM (ATM serine/threonine kinase; plus strand). Cytogenetic location: 11q22.3.
Variant type: single nucleotide variant.
Coding change: c.5593C>T on transcript NM_000051.4 (MANE Select); coding-DNA position 5593, C replaced by T.
Protein change: p.His1865Tyr; replaces histidine 1865 with tyrosine.
Molecular consequence: missense variant.
Genome position (GRCh38, 1-based): chr11:108,304,771, C>T. VCF-style: chr11-108304771-C-T. GRCh37 (hg19) VCF-style: chr11-108175498-C-T.
Other names: c.5593C>T, p.His1865Tyr (NM_001351834.2); short protein forms H1865Y.
Identifiers: ClinVar variation 3448380 (VCV003448380.4).

ClinVar aggregate classification (germline): Uncertain significance. Review status: criteria provided, multiple submitters, no conflicts (2 of 4 stars). 3 submissions from 3 submitters: Uncertain significance (3). Last evaluated 2025-12-17.

Conditions:
Hereditary cancer-predisposing syndrome. Also called: Hereditary Cancer Syndrome; Hereditary neoplastic syndrome; Neoplastic Syndromes, Hereditary; Tumor predisposition. Identifiers: Orphanet 140162, MedGen C0027672, MeSH D009386, MONDO:0015356.
Ataxia-telangiectasia syndrome (AT). Also called: AT, COMPLEMENTATION GROUP C; Cerebello-oculocutaneous telangiectasia; Immunodeficiency with ataxia telangiectasia; Ataxia-telangiectasia, complementation group D; Ataxia-telangiectasia; LOUIS-BAR SYNDROME. Identifiers: Orphanet 100, MedGen C0004135, MONDO:0008840, OMIM 208900.

gnomAD v4.1: 2 of 1,613,976 alleles (0.00012%); highest among the groups gnomAD compares: Non-Finnish European, 0.00017%; no homozygotes.

Submissions (3):

Labcorp Genetics (formerly Invitae), Labcorp
Classification: Uncertain significance for Ataxia-telangiectasia syndrome. Last evaluated: 2025-12-17. Review status: criteria provided, single submitter. Criteria: Invitae Variant Classification Sherloc (09022015). Collection method: clinical testing. Allele origin: germline.
Comment: This sequence change replaces histidine, which is basic and polar, with tyrosine, which is neutral and polar, at codon 1865 of the ATM protein (p.His1865Tyr). This variant is present in population databases (rs567908537, gnomAD 0.0009%). This variant has not been reported in the literature in individuals affected with ATM-related conditions. ClinVar contains an entry for this variant (Variation ID: 3448380). Invitae Evidence Modeling of protein sequence and biophysical properties (such as structural, functional, and spatial information, amino acid conservation, physicochemical variation, residue mobility, and thermodynamic stability) indicates that this missense variant is not expected to disrupt ATM protein function with a negative predictive value of 95%. In summary, the available evidence is currently insufficient to determine the role of this variant in disease. Therefore, it has been classified as a Variant of Uncertain Significance.

Color Diagnostics, LLC DBA Color Health
Classification: Uncertain significance for Hereditary cancer-predisposing syndrome. Last evaluated: 2024-10-20. Review status: criteria provided, single submitter. Criteria: ACMG Guidelines, 2015. Collection method: clinical testing. Allele origin: germline.
Comment: This missense variant replaces histidine with tyrosine at codon 1865 of the ATM protein. Computational prediction suggests that this variant may not impact protein structure and function (internally defined REVEL score threshold <= 0.5, PMID: 27666373). To our knowledge, functional studies have not been reported for this variant. This variant has not been reported in individuals affected with ATM-related disorders in the literature. This variant has not been identified in the general population by the Genome Aggregation Database (gnomAD). The available evidence is insufficient to determine the role of this variant in disease conclusively. Therefore, this variant is classified as a Variant of Uncertain Significance.

Ambry Genetics
Classification: Uncertain significance for Hereditary cancer-predisposing syndrome. Last evaluated: 2024-08-05. Review status: criteria provided, single submitter. Criteria: Ambry Variant Classification Scheme 2023. Collection method: clinical testing. Allele origin: germline.
Comment: The p.H1865Y variant (also known as c.5593C>T), located in coding exon 36 of the ATM gene, results from a C to T substitution at nucleotide position 5593. The histidine at codon 1865 is replaced by tyrosine, an amino acid with similar properties. This amino acid position is conserved. In addition, this alteration is predicted to be tolerated by in silico analysis. Based on the available evidence, the clinical significance of this variant remains unclear.